The following is an entry in ClinVar:

ClinVar aggregate classification (germline): Uncertain significance. Review status: criteria provided, multiple submitters, no conflicts (2 of 4 stars). 3 submissions from 3 submitters: Uncertain significance (3). Last evaluated 2025-10-24.

Conditions:
Congenital disorder of glycosylation with defective fucosylation 2 (CDGF2). Identifiers: MedGen C5193028, MONDO:0020777, OMIM 618324.

Allele frequency attached by ClinVar (database versions not stated): TOPMed 0.00008; gnomAD 0.00010; ExAC 0.00012; 1000 Genomes Project 30x 0.00016; ESP Exome Variant Server 0.00016; gnomAD exomes 0.00020.
gnomAD v4.1: 310 of 1,602,406 alleles (0.019%); highest among the groups gnomAD compares: Non-Finnish European, 0.025%; no homozygotes.

Submissions (3):

Ambry Genetics
Classification: Uncertain significance. Last evaluated: 2025-10-24. Review status: criteria provided, single submitter. Criteria: Ambry Variant Classification Scheme 2023. Collection method: clinical testing. Allele origin: germline.

Victorian Clinical Genetics Services, Murdoch Childrens Research Institute
Classification: Uncertain significance for Congenital disorder of glycosylation with defective fucosylation 2. Last evaluated: 2025-04-13. Review status: criteria provided, single submitter. Criteria: ACMG Guidelines, 2015. Collection method: clinical testing. Allele origin: germline. Affected: yes.
Comment: This variant is classified as VUS-3A. Evidence in support of pathogenic classification: Variant is present in gnomAD <0.01 for a recessive condition (v4: 310 heterozygote(s), 0 homozygote(s)); Missense variant predicted to be damaging by in silico tool(s) or highly conserved with a major amino acid change. Additional information: Variant is predicted to result in a missense amino acid change from proline to arginine; This variant is heterozygous; This gene is associated with autosomal recessive disease; Alternative amino acid change(s) at the same position are present in gnomAD (highest allele count: v4: 9 heterozygote(s), 0 homozygote(s)); Previous evidence of pathogenicity for this variant is inconclusive. This variant has been identified in at least one individual with clinical features including seizures, myotonia, respiratory distress and neurodevelopmental delay, and classified as a VUS by a clinical laboratory in ClinVar (Labcorp/Invitae personal communication); No published segregation evidence has been identified for this variant; No published functional evidence has been identified for this variant; Another missense variant(s) comparable to the one identified in this case has inconclusive previous evidence for pathogenicity. p.(Pro392Ser) has been identified in an individual with severe microcephaly, hypomyelination and white matter loss, and classified as a VUS by a clinical laboratory in ClinVar (Labcorp/Invitae personal communication); Variant is located in the annotated fucose pyrophosphorylase domain (DECIPHER); Loss of function is a known mechanism of disease in this gene and is associated with congenital disorder of glycosylation with defective fucosylation 2 (MIM#618324).

Labcorp Genetics (formerly Invitae), Labcorp
Classification: Uncertain significance. Last evaluated: 2023-07-31. Review status: criteria provided, single submitter. Criteria: Invitae Variant Classification Sherloc (09022015). Collection method: clinical testing. Allele origin: germline.
Comment: In summary, the available evidence is currently insufficient to determine the role of this variant in disease. Therefore, it has been classified as a Variant of Uncertain Significance. Algorithms developed to predict the effect of sequence changes on RNA splicing suggest that this variant may disrupt the consensus splice site. An algorithm developed to predict the effect of missense changes on protein structure and function (PolyPhen-2) suggests that this variant is likely to be disruptive. This variant has not been reported in the literature in individuals affected with FUK-related conditions. This variant is present in population databases (rs200941250, gnomAD 0.01%). This sequence change replaces proline, which is neutral and non-polar, with arginine, which is basic and polar, at codon 392 of the FUK protein (p.Pro392Arg).

NM_145059.3(FCSK):c.1175C>G (p.Pro392Arg)

Gene: FCSK (fucose kinase; plus strand). Cytogenetic location: 16q22.1.
Variant type: single nucleotide variant.
Coding change: c.1175C>G on transcript NM_145059.3 (MANE Select); coding-DNA position 1175, C replaced by G.
Protein change: p.Pro392Arg; replaces proline 392 with arginine.
Molecular consequence: missense variant.
Genome position (GRCh38, 1-based): chr16:70,471,186, C>G. VCF-style: chr16-70471186-C-G. GRCh37 (hg19) VCF-style: chr16-70505089-C-G.
Other names: c.1175C>G (NM_145059.2); short protein forms P392R.
Identifiers: ClinVar variation 2773044 (VCV002773044.6), dbSNP rs200941250, ClinGen allele CA8143245.